The following is an entry in ClinVar:

ClinVar aggregate classification (germline): Uncertain significance. Review status: criteria provided, multiple submitters, no conflicts (2 of 4 stars). 2 submissions from 2 submitters: Uncertain significance (2). Last evaluated 2024-09-10.

Conditions:
MYCN-related disorder. Also called: MYCN-related condition.

Submissions (2):

GeneDx
Classification: Uncertain significance. Last evaluated: 2024-09-10. Review status: criteria provided, single submitter. Criteria: GeneDx Variant Classification Process June 2021. Collection method: clinical testing. Allele origin: germline. Affected: yes.
Comment: Not observed at significant frequency in large population cohorts (gnomAD); In silico analysis supports that this missense variant has a deleterious effect on protein structure/function; Has not been previously published as pathogenic or benign to our knowledge

PreventionGenetics, part of Exact Sciences
Classification: Uncertain significance for MYCN-related condition. Last evaluated: 2022-10-15. Review status: criteria provided, single submitter. Criteria: ACMG Guidelines, 2015. Collection method: clinical testing. Allele origin: germline.
Comment: The MYCN c.1198A>C variant is predicted to result in the amino acid substitution p.Ser400Arg. To our knowledge, this variant has not been reported in the literature or in a large population database, indicating this variant is rare. At this time, the clinical significance of this variant is uncertain due to the absence of conclusive functional and genetic evidence.

NM_005378.6(MYCN):c.1198A>C (p.Ser400Arg)

Gene: MYCN (MYCN proto-oncogene, bHLH transcription factor; plus strand). Cytogenetic location: 2p24.3.
Variant type: single nucleotide variant.
Coding change: c.1198A>C on transcript NM_005378.6 (MANE Select); coding-DNA position 1198, A replaced by C.
Protein change: p.Ser400Arg; replaces serine 400 with arginine.
Molecular consequence: missense variant. On other transcripts: 3 prime UTR variant (1).
Genome position (GRCh38, 1-based): chr2:15,945,900, A>C. VCF-style: chr2-15945900-A-C. GRCh37 (hg19) VCF-style: chr2-16086022-A-C.
Other names: c.1198A>C, p.Ser400Arg (NM_001293228.2); c.565A>C, p.Ser189Arg (NM_001293231.2); c.*1133A>C (NM_001293233.2); c.1198A>C (NM_005378.4); short protein forms S189R, S400R.
Identifiers: ClinVar variation 2628397 (VCV002628397.2), dbSNP rs1662859334, ClinGen allele CA345932483.